The following is an entry in ClinVar:

NM_020937.4(FANCM):c.4386+8A>T

Gene: FANCM (FA complementation group M; plus strand). Cytogenetic location: 14q21.2.
Variant type: single nucleotide variant.
Coding change: c.4386+8A>T on transcript NM_020937.4 (MANE Select); 8 bases into the intron after coding-DNA position 4386, A replaced by T.
Molecular consequence: intron variant.
Genome position (GRCh38, 1-based): chr14:45,181,713, A>T. VCF-style: chr14-45181713-A-T. GRCh37 (hg19) VCF-style: chr14-45650916-A-T.
Other names: c.4308+8A>T (NM_001308133.2).
Identifiers: ClinVar variation 5000021 (VCV005000021.1).

ClinVar aggregate classification (germline): Likely benign (1 of 4 stars; one submission).

Conditions:
FANCM-related disorder. Also called: FANCM-related condition.

gnomAD v4.1: 1 of 1,562,610 alleles (0.000064%); highest among the groups gnomAD compares: African/African-American, 0.0013%; no homozygotes.

Submission:

PreventionGenetics, part of Exact Sciences
Classification: Likely benign for FANCM-related condition. Last evaluated: 2025-04-25. Review status: criteria provided, single submitter. Criteria: ACMG Guidelines, 2015. Collection method: clinical testing. Allele origin: germline.
Comment: This variant is classified as likely benign based on ACMG/AMP sequence variant interpretation guidelines (Richards et al. 2015 PMID: 25741868, with internal and published modifications).